The following is an entry in ClinVar:

ClinVar aggregate classification (germline): Uncertain significance. Review status: criteria provided, multiple submitters, no conflicts (2 of 4 stars). 2 submissions from 2 submitters: Uncertain significance (2). Last evaluated 2025-01-30.

Conditions:
Inborn genetic diseases. Identifiers: MedGen C0950123, MeSH D030342.
Immunodeficiency 19 (IMD19). Also called: IMMUNODEFICIENCY 19, SEVERE COMBINED; CD3-DELTA DEFICIENCY; SEVERE COMBINED IMMUNODEFICIENCY, T CELL-NEGATIVE, B CELL-POSITIVE, NK CELL-POSITIVE; SCID, T CELL-NEGATIVE, B CELL-POSITIVE, NK CELL-POSITIVE. Identifiers: MedGen C3810147, MONDO:0014280, OMIM 615617.

Allele frequency attached by ClinVar (database versions not stated): gnomAD exomes below 0.00001; TOPMed below 0.00001.
gnomAD v4.1: 3 of 1,614,094 alleles (0.00019%); highest among the groups gnomAD compares: Non-Finnish European, 0.00017%; no homozygotes.

Submissions (2):

Ambry Genetics
Classification: Uncertain significance for Inborn genetic diseases. Last evaluated: 2025-01-30. Review status: criteria provided, single submitter. Criteria: Ambry Variant Classification Scheme 2023. Collection method: clinical testing. Allele origin: germline.

Labcorp Genetics (formerly Invitae), Labcorp
Classification: Uncertain significance for Immunodeficiency 19. Last evaluated: 2022-02-24. Review status: criteria provided, single submitter. Criteria: Invitae Variant Classification Sherloc (09022015). Collection method: clinical testing. Allele origin: germline.
Comment: This sequence change replaces lysine, which is basic and polar, with glutamic acid, which is acidic and polar, at codon 82 of the CD3D protein (p.Lys82Glu). This variant is not present in population databases (gnomAD no frequency). This variant has not been reported in the literature in individuals affected with CD3D-related conditions. ClinVar contains an entry for this variant (Variation ID: 541674). Algorithms developed to predict the effect of missense changes on protein structure and function output the following: SIFT: "Tolerated"; PolyPhen-2: "Benign"; Align-GVGD: "Class C0". The glutamic acid amino acid residue is found in multiple mammalian species, which suggests that this missense change does not adversely affect protein function. In summary, the available evidence is currently insufficient to determine the role of this variant in disease. Therefore, it has been classified as a Variant of Uncertain Significance.

NM_000732.6(CD3D):c.244A>G (p.Lys82Glu)

Gene: CD3D (CD3 delta subunit of T-cell receptor complex; minus strand). Cytogenetic location: 11q23.3.
Variant type: single nucleotide variant.
Coding change: c.244A>G on transcript NM_000732.6 (MANE Select); coding-DNA position 244, A replaced by G.
Protein change: p.Lys82Glu; replaces lysine 82 with glutamic acid.
Molecular consequence: missense variant.
Genome position (GRCh38, 1-based): chr11:118,340,405, T>C on the plus strand (A>G on the coding strand, the complement: CD3D is on the minus strand). VCF-style: chr11-118340405-T-C. GRCh37 (hg19) VCF-style: chr11-118211120-T-C.
Other names: c.244A>G, p.Lys82Glu (NM_001040651.2); short protein forms K82E.
Identifiers: ClinVar variation 541674 (VCV000541674.7), dbSNP rs1555119773, ClinGen allele CA382789071.